The following is an entry in ClinVar:

ClinVar aggregate classification (germline): Benign/Likely benign. Review status: criteria provided, multiple submitters, no conflicts (2 of 4 stars). 4 submissions from 4 submitters: Benign (2); Likely benign (2). Last evaluated 2026-06-01.

Allele frequency attached by ClinVar (database versions not stated): 1000 Genomes Project 0.00379; 1000 Genomes Project 30x 0.00406; gnomAD 0.00482 and 0.00483; ESP Exome Variant Server 0.00564; TOPMed 0.00566; ExAC 0.00904.
gnomAD v4.1: 9,497 of 1,542,040 alleles (0.62%); highest among the groups gnomAD compares: Middle Eastern, 1.1%; 49 homozygotes.

Submissions (4):

CeGaT Center for Human Genetics Tuebingen
Classification: Likely benign. Last evaluated: 2026-06-01. Review status: criteria provided, single submitter. Criteria: CeGaT Center For Human Genetics Tuebingen Variant Classification Criteria Version 2. Collection method: clinical testing. Allele origin: germline. Affected: yes. Observed: 31 variant alleles.
Comment: ATP6V1B2: BS2

Blueprint Genetics
Classification: Likely benign. Last evaluated: 2024-11-25. Review status: criteria provided, single submitter. Criteria: ACMG Guidelines, 2015. Collection method: clinical testing. Allele origin: germline.

Labcorp Genetics (formerly Invitae), Labcorp
Classification: Benign. Last evaluated: 2019-12-31. Review status: criteria provided, single submitter. Criteria: Invitae Variant Classification Sherloc (09022015). Collection method: clinical testing. Allele origin: germline.

Breakthrough Genomics
Classification: Benign. Review status: criteria provided, single submitter. Criteria: ACMG Guidelines, 2015. Collection method: not provided. Allele origin: germline. Inheritance: Autosomal dominant inheritance. Affected: yes.

NM_001693.4(ATP6V1B2):c.11G>A (p.Arg4Gln)

Genes: ATP6V1B2 (ATPase H+ transporting V1 subunit B2; plus strand), LOC129999955 (ATAC-STARR-seq lymphoblastoid silent region 18971; plus strand). Cytogenetic location: 8p21.3.
Variant type: single nucleotide variant.
Coding change: c.11G>A on transcript NM_001693.4 (MANE Select); coding-DNA position 11, G replaced by A.
Protein change: p.Arg4Gln; replaces arginine 4 with glutamine.
Molecular consequence: missense variant.
Genome position (GRCh38, 1-based): chr8:20,197,417, G>A. VCF-style: chr8-20197417-G-A. GRCh37 (hg19) VCF-style: chr8-20054928-G-A.
Other names: short protein forms R4Q.
Identifiers: ClinVar variation 770944 (VCV000770944.29), dbSNP rs116941637, ClinGen allele CA4656661.
Genomic context (GRCh38, chr8:20,197,417, plus strand): 5'-CTGCGCGTGCGCGGCGTCGCTGCTGGGCCAGTCGGGACAGAGGAGACAAGATGGCGCTGC[G>A]GGCGATGCGGGGGATTGTCAACGGGGCCGCACCCGAGCTACCCGTGCCCACCGGTGGGCC-3'
Protein context (NP_001684.2, residues 1-14): MAL[Arg4Gln]AMRGIVNGAA